The following is an entry in ClinVar:

ClinVar aggregate classification (germline): Conflicting classifications of pathogenicity. Review status: criteria provided, conflicting classifications (1 of 4 stars). 6 submissions from 5 submitters: Uncertain significance (2); Likely benign (3). 1 of the submissions does not count toward it. Last evaluated 2026-03-01.

Conditions:
SCO1-related disorder. Also called: SCO1-related condition; SCO1-related disorders.
Mitochondrial complex IV deficiency, nuclear type 1 (MC4DN1). Also called: Mitochondrial complex IV deficiency; Complex 4 mitochondrial respiratory chain deficiency; Deficiency of mitochondrial respiratory chain complex4; Complex IV deficiency; COX DEFICIENCY. Identifiers: MedGen C5435656, MONDO:0700250, OMIM 220110. Disease mechanism: loss of function.
Leigh syndrome (NULS). Also called: Subacute necrotizing encephalopathy; Necrotizing encephalopathy infantile subacute of Leigh; LEIGH SYNDROME, NUCLEAR; Leigh's necrotizing encephalopathy; Leigh's disease; Leigh Syndrome (mtDNA deletion). Identifiers: Orphanet 506, MedGen C2931891, MONDO:0009723, OMIM 256000.

Allele frequency attached by ClinVar (database versions not stated): ExAC 0.00002; gnomAD exomes 0.00003 and 0.00011; TOPMed 0.00007; ESP Exome Variant Server 0.00008; gnomAD 0.00008.
gnomAD v4.1: 183 of 1,613,948 alleles (0.011%); highest among the groups gnomAD compares: Non-Finnish European, 0.014%; no homozygotes.

Submissions (6):

CeGaT Center for Human Genetics Tuebingen
Classification: Likely benign. Last evaluated: 2026-03-01. Review status: criteria provided, single submitter. Criteria: CeGaT Center For Human Genetics Tuebingen Variant Classification Criteria Version 2. Collection method: clinical testing. Allele origin: germline. Affected: yes. Observed: 2 variant alleles.
Comment: SCO1: BP4, BP7

Labcorp Genetics (formerly Invitae), Labcorp
Classification: Likely benign. Last evaluated: 2025-10-02. Review status: criteria provided, single submitter. Criteria: Invitae Variant Classification Sherloc (09022015). Collection method: clinical testing. Allele origin: germline.

GeneDx
Classification: Likely benign. Last evaluated: 2020-05-05. Review status: criteria provided, single submitter. Criteria: GeneDx Variant Classification Process June 2021. Collection method: clinical testing. Allele origin: germline. Affected: yes.

Illumina Laboratory Services, Illumina
Classification: Uncertain significance for Leigh syndrome. Last evaluated: 2018-01-13. Review status: criteria provided, single submitter. Criteria: ICSL Variant Classification Criteria 13 December 2019. Collection method: clinical testing. Allele origin: germline.

Illumina Laboratory Services, Illumina
Classification: Uncertain significance for Mitochondrial complex IV deficiency, nuclear type 1. Last evaluated: 2018-01-13. Review status: criteria provided, single submitter. Criteria: ICSL Variant Classification Criteria 13 December 2019. Collection method: clinical testing. Allele origin: germline.

PreventionGenetics, part of Exact Sciences
Classification: Likely benign for SCO1-related condition. Last evaluated: 2019-12-16. Review status: no assertion criteria provided. Collection method: clinical testing. Allele origin: germline. Not counted in ClinVar's aggregate classification.
Comment: This variant is classified as likely benign based on ACMG/AMP sequence variant interpretation guidelines (Richards et al. 2015 PMID: 25741868, with internal and published modifications).

NM_004589.4(SCO1):c.411G>A (p.Gly137=)

Gene: SCO1 (synthesis of cytochrome C oxidase 1; minus strand). Cytogenetic location: 17p13.1.
Variant type: single nucleotide variant.
Coding change: c.411G>A on transcript NM_004589.4 (MANE Select); coding-DNA position 411, G replaced by A.
Protein change: p.Gly137=; no amino-acid change (glycine 137 retained).
Molecular consequence: synonymous variant.
Genome position (GRCh38, 1-based): chr17:10,692,915, C>T on the plus strand (G>A on the coding strand, the complement: SCO1 is on the minus strand). VCF-style: chr17-10692915-C-T. GRCh37 (hg19) VCF-style: chr17-10596232-C-T.
Other names: c.411G>A (NM_004589.3).
Identifiers: ClinVar variation 511280 (VCV000511280.41), dbSNP rs371690301, ClinGen allele CA8393600.